The following is an entry in ClinVar:

ClinVar aggregate classification (germline): Uncertain significance. Review status: criteria provided, multiple submitters, no conflicts (2 of 4 stars). 5 submissions from 5 submitters: Uncertain significance (4). 1 of the submissions does not count toward it. Last evaluated 2025-07-15.

Conditions:
Inborn genetic diseases. Identifiers: MedGen C0950123, MeSH D030342.
Cerebral creatine deficiency syndrome. Also called: Creatine deficiency syndromes. Identifiers: Orphanet 79172, MedGen C5244016, MONDO:0000456.
Deficiency of guanidinoacetate methyltransferase (CCDS2). Also called: GAMT DEFICIENCY; Guanidinoacetate Methyltransferase (GAMT) Deficiency; CEREBRAL CREATINE DEFICIENCY SYNDROME 2. Identifiers: Orphanet 382, MedGen C0574080, MONDO:0012999, OMIM 612736.

Allele frequency attached by ClinVar (database versions not stated): gnomAD exomes 0.00005 and 0.00003; ExAC 0.00006.

Submissions (5):

Ambry Genetics
Classification: Uncertain significance for Inborn genetic diseases. Last evaluated: 2025-07-15. Review status: criteria provided, single submitter. Criteria: Ambry Variant Classification Scheme 2023. Collection method: clinical testing. Allele origin: germline.

Labcorp Genetics (formerly Invitae), Labcorp
Classification: Uncertain significance for Cerebral creatine deficiency syndrome. Last evaluated: 2022-02-06. Review status: criteria provided, single submitter. Criteria: Invitae Variant Classification Sherloc (09022015). Collection method: clinical testing. Allele origin: germline.
Comment: This sequence change replaces leucine, which is neutral and non-polar, with valine, which is neutral and non-polar, at codon 171 of the GAMT protein (p.Leu171Val). This variant is present in population databases (rs770110177, gnomAD 0.03%). This variant has not been reported in the literature in individuals affected with GAMT-related conditions. ClinVar contains an entry for this variant (Variation ID: 205583). Algorithms developed to predict the effect of missense changes on protein structure and function are either unavailable or do not agree on the potential impact of this missense change (SIFT: "Deleterious"; PolyPhen-2: "Possibly Damaging"; Align-GVGD: "Class C0"). In summary, the available evidence is currently insufficient to determine the role of this variant in disease. Therefore, it has been classified as a Variant of Uncertain Significance.

Fulgent Genetics
Classification: Uncertain significance for Deficiency of guanidinoacetate methyltransferase. Last evaluated: 2021-07-01. Review status: criteria provided, single submitter. Criteria: ACMG Guidelines, 2015. Collection method: clinical testing. Allele origin: unknown.

GeneDx
Classification: Uncertain significance. Last evaluated: 2013-02-22. Review status: criteria provided, single submitter. Criteria: GeneDx Variant Classification (06012015). Collection method: clinical testing. Allele origin: germline. Affected: yes.
Comment: p.Leu171Val (CTC>GTC): c.511 C>G in exon 5 of the GAMT gene (NM_000156.4) The Leu171Val missense change has not been published as a mutation, nor has it been reported as a benign polymorphism to our knowledge. The NHLBI ESP Exome Variant Project has not identified Leu171Val in approximately 6,500 individuals of European or African American ethnicity, indicating that it is not a common benign variant in these populations. It alters a well-conserved position in the GAMT gene, and missense mutations have been reported at nearby codons in association with GAMT deficiency. However, amino acid substitution is conservative, as both Leucine and Valine are uncharged, non-polar amino acids. Additionally, multiple in silico algorithms predict Leu171Val may be benign. Therefore, based on the currently available information, it is unclear whether Leu171Val is a disease-causing mutation or a rare benign variant. The variant is found in EPILEPSY panel(s).

Natera, Inc.
Classification: Uncertain significance for Guanidinoacetate methyltransferase deficiency. Last evaluated: 2019-10-28. Review status: no assertion criteria provided. Collection method: clinical testing. Allele origin: germline. Not counted in ClinVar's aggregate classification.

NM_000156.6(GAMT):c.511C>G (p.Leu171Val)

Gene: GAMT (guanidinoacetate N-methyltransferase; minus strand). Cytogenetic location: 19p13.3.
Variant type: single nucleotide variant.
Coding change: c.511C>G on transcript NM_000156.6 (MANE Select); coding-DNA position 511, C replaced by G.
Protein change: p.Leu171Val; replaces leucine 171 with valine.
Molecular consequence: missense variant.
Genome position (GRCh38, 1-based): chr19:1,398,975, G>C on the plus strand (C>G on the coding strand, the complement: GAMT is on the minus strand). VCF-style: chr19-1398975-G-C. GRCh37 (hg19) VCF-style: chr19-1398974-G-C.
Other names: p.L171V:CTC>GTC; c.511C>G, p.Leu171Val (NM_138924.3); c.511C>G (NM_000156.5); short protein forms L171V.
Identifiers: ClinVar variation 205583 (VCV000205583.7), dbSNP rs770110177, ClinGen allele CA314810.
Genomic context (GRCh38, chr19:1,398,975, plus strand): 5'-CCTCAAACATGATGGTGATGTCTGAGTACTTGGACTTCATCAGCTCCCCCCAGGAGGTGA[G>C]GTTGCAGTAGGTGAGGACGCCCCCCGGCTTCAGCAGGCGAAAGGCGTGGTTCTGTGGAAG-3'
Protein context (NP_000147.1, residues 161-181): KPGGVLTYCN[Leu171Val]TSWGELMKSK